The following is an entry in ClinVar:

NM_001267550.2(TTN):c.96028G>T (p.Glu32010Ter)

Genes: TTN-AS1 (TTN antisense RNA 1; plus strand), TTN (titin; minus strand). Cytogenetic location: 2q31.2.
Variant type: single nucleotide variant.
Coding change: c.96028G>T on transcript NM_001267550.2 (MANE Select); coding-DNA position 96028, G replaced by T.
Protein change: p.Glu32010Ter; replaces glutamic acid 32010 with a stop codon.
Molecular consequence: nonsense.
Genome position (GRCh38, 1-based): chr2:178,544,201, C>A on the plus strand (G>T on the coding strand, the complement: TTN is on the minus strand). VCF-style: chr2-178544201-C-A. GRCh37 (hg19) VCF-style: chr2-179408928-C-A.
Other names: c.91105G>T, p.Glu30369Ter (NM_001256850.1); c.68833G>T, p.Glu22945Ter (NM_003319.4); c.88324G>T, p.Glu29442Ter (NM_133378.4); c.69208G>T, p.Glu23070Ter (NM_133432.3); c.69409G>T, p.Glu23137Ter (NM_133437.4); short protein forms E22945*, E23070*, E23137*, E29442*, E30369*, E32010*.
Identifiers: ClinVar variation 3764723 (VCV003764723.3).

ClinVar aggregate classification (germline): Likely pathogenic (1 of 4 stars; one submission).

Conditions:
Dilated cardiomyopathy 1G (CMD1G). Identifiers: Orphanet 154, MedGen C1858763, MONDO:0011400, OMIM 604145.

Submission:

Juno Genomics, Hangzhou Juno Genomics, Inc
Classification: Likely pathogenic for Dilated cardiomyopathy 1G. Review status: criteria provided, single submitter. Criteria: ACMG Guidelines, 2015. Collection method: clinical testing. Allele origin: germline.
Comment: Absent from controls (or at extremely low frequency if recessive) in Genome Aggregation Database.;Null variant in a gene where loss of function (LOF) is a known mechanism of disease.